The following is an entry in ClinVar:

NM_014727.3(KMT2B):c.3929C>A (p.Pro1310Gln)

Gene: KMT2B (lysine methyltransferase 2B; plus strand). Cytogenetic location: 19q13.12.
Variant type: single nucleotide variant.
Coding change: c.3929C>A on transcript NM_014727.3 (MANE Select); coding-DNA position 3929, C replaced by A.
Protein change: p.Pro1310Gln; replaces proline 1310 with glutamine.
Molecular consequence: missense variant.
Genome position (GRCh38, 1-based): chr19:35,726,279, C>A. VCF-style: chr19-35726279-C-A. GRCh37 (hg19) VCF-style: chr19-36217180-C-A.
Other names: short protein forms P1310Q.
Identifiers: ClinVar variation 2649743 (VCV002649743.24), dbSNP rs2513333379, ClinGen allele CA405411574.

ClinVar aggregate classification (germline): Uncertain significance (1 of 4 stars; one submission).

Submission:

CeGaT Center for Human Genetics Tuebingen
Classification: Uncertain significance. Last evaluated: 2023-02-01. Review status: criteria provided, single submitter. Criteria: CeGaT Center For Human Genetics Tuebingen Variant Classification Criteria Version 2. Collection method: clinical testing. Allele origin: germline. Affected: yes. Observed: 1 variant allele.
Comment: KMT2B: PM2, PP3